The following is an entry in ClinVar:

NM_203446.3(SYNJ1):c.3304C>G (p.Pro1102Ala)

Gene: SYNJ1 (synaptojanin 1; minus strand). Cytogenetic location: 21q22.11.
Variant type: single nucleotide variant.
Coding change: c.3304C>G on transcript NM_203446.3 (MANE Select); coding-DNA position 3304, C replaced by G.
Protein change: p.Pro1102Ala; replaces proline 1102 with alanine.
Molecular consequence: missense variant.
Genome position (GRCh38, 1-based): chr21:32,645,733, G>C on the plus strand (C>G on the coding strand, the complement: SYNJ1 is on the minus strand). VCF-style: chr21-32645733-G-C. GRCh37 (hg19) VCF-style: chr21-34018043-G-C.
Other names: c.3304C>G, p.Pro1102Ala (NM_001160302.2); c.3289C>G, p.Pro1097Ala (NM_001160306.2); c.3421C>G, p.Pro1141Ala (NM_003895.4); short protein forms P1102A, P1141A, P1097A.
Identifiers: ClinVar variation 2126299 (VCV002126299.4), dbSNP rs1368672974, ClinGen allele CA410068345.

ClinVar aggregate classification (germline): Uncertain significance (1 of 4 stars; one submission).

Conditions:
Developmental and epileptic encephalopathy, 53. Also called: Epileptic encephalopathy, early infantile, 53. Identifiers: MedGen C4479313, MONDO:0033362, OMIM 617389.
Early-onset Parkinson disease 20. Also called: PARKINSON DISEASE 20, AUTOSOMAL RECESSIVE EARLY-ONSET. Identifiers: Orphanet 391411, MedGen C3809824, MONDO:0014233, OMIM 615530.

Submission:

Labcorp Genetics (formerly Invitae), Labcorp
Classification: Uncertain significance for Developmental and epileptic encephalopathy, 53; Early-onset Parkinson disease 20. Last evaluated: 2022-04-15. Review status: criteria provided, single submitter. Criteria: Invitae Variant Classification Sherloc (09022015). Collection method: clinical testing. Allele origin: germline.
Comment: This sequence change replaces proline, which is neutral and non-polar, with alanine, which is neutral and non-polar, at codon 1141 of the SYNJ1 protein (p.Pro1141Ala). This variant is not present in population databases (gnomAD no frequency). This variant has not been reported in the literature in individuals affected with SYNJ1-related conditions. Algorithms developed to predict the effect of missense changes on protein structure and function output the following: SIFT: "Tolerated"; PolyPhen-2: "Benign"; Align-GVGD: "Class C0". The alanine amino acid residue is found in multiple mammalian species, which suggests that this missense change does not adversely affect protein function. In summary, the available evidence is currently insufficient to determine the role of this variant in disease. Therefore, it has been classified as a Variant of Uncertain Significance.